The following is an entry in ClinVar:

NM_001375808.2(LPIN2):c.2567T>G (p.Leu856Arg)

Gene: LPIN2 (lipin 2; minus strand). Cytogenetic location: 18p11.31.
Variant type: single nucleotide variant.
Coding change: c.2567T>G on transcript NM_001375808.2 (MANE Select); coding-DNA position 2567, T replaced by G.
Protein change: p.Leu856Arg; replaces leucine 856 with arginine.
Molecular consequence: missense variant.
Genome position (GRCh38, 1-based): chr18:2,920,417, A>C on the plus strand (T>G on the coding strand, the complement: LPIN2 is on the minus strand). VCF-style: chr18-2920417-A-C. GRCh37 (hg19) VCF-style: chr18-2920415-A-C.
Other names: c.2567T>G, p.Leu856Arg (NM_001375809.1, NM_014646.2); short protein forms L856R.
Identifiers: ClinVar variation 957908 (VCV000957908.8), dbSNP rs768061281, ClinGen allele CA8872662.

ClinVar aggregate classification (germline): Uncertain significance. Review status: criteria provided, multiple submitters, no conflicts (2 of 4 stars). 2 submissions from 2 submitters: Uncertain significance (2). Last evaluated 2024-06-20.

Conditions:
Majeed syndrome (MJDS). Also called: CHRONIC RECURRENT MULTIFOCAL OSTEOMYELITIS 1, WITH CONGENITAL DYSERYTHROPOIETIC ANEMIA, WITH OR WITHOUT NEUTROPHILIC DERMATOSIS; LPIN2-Related Majeed Syndrome. Identifiers: Orphanet 77297, MedGen C1864997, MONDO:0012316, OMIM 609628.

Allele frequency attached by ClinVar (database versions not stated): ExAC 0.00001; gnomAD exomes 0.00001 and 0.00006; TOPMed 0.00002; gnomAD 0.00003 and 0.00004.
gnomAD v4.1: 92 of 1,613,692 alleles (0.0057%); highest among the groups gnomAD compares: Non-Finnish European, 0.0076%; no homozygotes.

Submissions (2):

Revvity Omics, Revvity
Classification: Uncertain significance for Majeed syndrome. Last evaluated: 2024-06-20. Review status: criteria provided, single submitter. Criteria: ACMG Guidelines, 2015. Collection method: clinical testing. Allele origin: germline.

Labcorp Genetics (formerly Invitae), Labcorp
Classification: Uncertain significance for Majeed syndrome. Last evaluated: 2022-01-20. Review status: criteria provided, single submitter. Criteria: Invitae Variant Classification Sherloc (09022015). Collection method: clinical testing. Allele origin: germline.
Comment: This sequence change replaces leucine, which is neutral and non-polar, with arginine, which is basic and polar, at codon 856 of the LPIN2 protein (p.Leu856Arg). This variant is present in population databases (rs768061281, gnomAD 0.003%). This variant has not been reported in the literature in individuals affected with LPIN2-related conditions. ClinVar contains an entry for this variant (Variation ID: 957908). Algorithms developed to predict the effect of missense changes on protein structure and function are either unavailable or do not agree on the potential impact of this missense change (SIFT: "Tolerated"; PolyPhen-2: "Probably Damaging"; Align-GVGD: "Class C0"). In summary, the available evidence is currently insufficient to determine the role of this variant in disease. Therefore, it has been classified as a Variant of Uncertain Significance.